The following is an entry in ClinVar:

NM_000278.5(PAX2):c.491C>G (p.Thr164Ser)

Gene: PAX2 (paired box 2; plus strand). Cytogenetic location: 10q24.31.
Variant type: single nucleotide variant.
Coding change: c.491C>G on transcript NM_000278.5 (MANE Select); coding-DNA position 491, C replaced by G.
Protein change: p.Thr164Ser; replaces threonine 164 with serine.
Molecular consequence: missense variant.
Genome position (GRCh38, 1-based): chr10:100,779,578, C>G. VCF-style: chr10-100779578-C-G. GRCh37 (hg19) VCF-style: chr10-102539335-C-G.
Other names: c.584C>G, p.Thr195Ser (NM_001304569.2); c.491C>G, p.Thr164Ser (NM_003987.5, NM_003988.5, NM_003989.5 and 1 more transcripts); short protein forms T164S, T195S.
Identifiers: ClinVar variation 2628762 (VCV002628762.4), dbSNP rs370214925, ClinGen allele CA213066630.

ClinVar aggregate classification (germline): Uncertain significance. Review status: criteria provided, multiple submitters, no conflicts (2 of 4 stars). 2 submissions from 2 submitters: Uncertain significance (2). Last evaluated 2023-04-11.

Conditions:
PAX2-Related Disorder. Also called: PAX2-related disorders. Identifiers: MedGen CN381309.
Renal coloboma syndrome (PAPRS). Also called: PAPILLORENAL SYNDROME; COLOBOMA OF OPTIC NERVE WITH RENAL DISEASE; PAPILLORENAL SYNDROME WITH MILD OCULAR ABNORMALITIES; CONGENITAL ANOMALIES OF THE KIDNEY AND URINARY TRACT WITH OR WITHOUT OCULAR ABNORMALITIES; CAKUT WITH OR WITHOUT OCULAR ABNORMALITIES; OPTIC COLOBOMA, VESICOURETERAL REFLUX, AND RENAL ANOMALIES. Identifiers: Orphanet 1475, MedGen C1852759, MONDO:0007352, OMIM 120330.
Focal segmental glomerulosclerosis 7 (FSGS7). Identifiers: Orphanet 656, MedGen C4014925, MONDO:0014451, OMIM 616002.

gnomAD v4.1: 2 of 1,582,878 alleles (0.00013%); highest among the groups gnomAD compares: Non-Finnish European, 0.00017%; no homozygotes.

Submissions (2):

Labcorp Genetics (formerly Invitae), Labcorp
Classification: Uncertain significance for Renal coloboma syndrome; Focal segmental glomerulosclerosis 7. Last evaluated: 2023-04-11. Review status: criteria provided, single submitter. Criteria: Invitae Variant Classification Sherloc (09022015). Collection method: clinical testing. Allele origin: germline.
Comment: This sequence change replaces threonine, which is neutral and polar, with serine, which is neutral and polar, at codon 164 of the PAX2 protein (p.Thr164Ser). This variant is not present in population databases (gnomAD no frequency). This variant has not been reported in the literature in individuals affected with PAX2-related conditions. Experimental studies and prediction algorithms are not available or were not evaluated, and the functional significance of this variant is currently unknown. In summary, the available evidence is currently insufficient to determine the role of this variant in disease. Therefore, it has been classified as a Variant of Uncertain Significance.

PreventionGenetics, part of Exact Sciences
Classification: Uncertain significance for PAX2-related condition. Last evaluated: 2022-09-22. Review status: criteria provided, single submitter. Criteria: ACMG Guidelines, 2015. Collection method: clinical testing. Allele origin: germline.
Comment: The PAX2 c.491C>G variant is predicted to result in the amino acid substitution p.Thr164Ser. To our knowledge, this variant has not been reported in the literature or in a large population database, indicating this variant is rare. A different substitution at this amino acid position (p.Thr164Asn) has been reported to be pathogenic for PAX2-related disorders in two individuals (Barua. 2014. PubMed ID: 24676634; Connaughton. 2019. PubMed ID: 30773290). At this time, the clinical significance of this variant is uncertain due to the absence of conclusive functional and genetic evidence.